The following continues an entry in ClinVar:

NM_000243.3(MEFV):c.442G>C (p.Glu148Gln)

Gene: MEFV. ClinVar aggregate classification (germline): Conflicting classifications of pathogenicity. Pathogenic (1); Uncertain significance (17); Benign (6); Likely benign (9).

Submissions 8 to 23 of 44:

Medical Genetics Clinic, University of Catania
Classification: Uncertain significance for Familial Mediterranean fever, autosomal dominant. Last evaluated: 2025-06-16. Review status: criteria provided, single submitter. Criteria: ACMG Guidelines, 2015. Collection method: clinical testing. Allele origin: de novo. Inheritance: Autosomal dominant inheritance. Observed: 1 heterozygote.
Comment: The c.442G>C variant in the MEFV gene is localized in exon 2 of 10 and causes the substitution of a Glutamic acid with a Glutamine at position 148 (p.E148Q). In silico prediction tools suggest conflicting effect on the structure/activity of the protein (MutationTaster: polymorphism, Polyphen2: probably damaging, SIFT: deleterious, AlphaMissense: Benign moderate, CADD: 17.33). In the light of the above and the unclear clinical impact, the c.442G>C variant in the MEFV gene has been classified as a Variant of Uncertain Significance.

Institute of Immunology and Genetics Kaiserslautern
Classification: Uncertain significance for Familial Mediterranean fever. Last evaluated: 2025-02-10. Review status: criteria provided, single submitter. Criteria: ACMG Guidelines, 2015. Collection method: clinical testing. Allele origin: germline. Affected: yes.
Comment: ACMG Criteria: PS3, PM3, BS1, BS2; Variant was found in heterozygous state.

GeneDx
Classification: Likely benign. Last evaluated: 2024-12-04. Review status: criteria provided, single submitter. Criteria: GeneDx Variant Classification Process June 2021. Collection method: clinical testing. Allele origin: germline. Affected: yes.
Comment: See Variant Classification Assertion Criteria.

Blueprint Genetics
Classification: Likely benign. Last evaluated: 2024-11-27. Review status: criteria provided, single submitter. Criteria: ACMG Guidelines, 2015. Collection method: clinical testing. Allele origin: germline.

Fulgent Genetics
Classification: Likely benign for Familial Mediterranean fever, autosomal dominant; Familial Mediterranean fever; Acute febrile neutrophilic dermatosis. Last evaluated: 2024-03-29. Review status: criteria provided, single submitter. Criteria: ACMG Guidelines, 2015. Collection method: clinical testing. Allele origin: germline.

Genomic Medicine Center of Excellence, King Faisal Specialist Hospital and Research Centre
Classification: Uncertain significance for Familial Mediterranean fever. Last evaluated: 2024-03-25. Review status: criteria provided, single submitter. Criteria: ACMG Guidelines, 2015. Collection method: research. Allele origin: germline.

Centre for Clinical Genetics and Genomic Diagnostics, Zealand University Hospital
Classification: Uncertain significance. Last evaluated: 2023-08-18. Review status: criteria provided, single submitter. Criteria: ACMG Guidelines, 2015. Collection method: clinical testing. Allele origin: germline.

Neuberg Centre For Genomic Medicine, NCGM
Classification: Uncertain significance for Familial Mediterranean fever. Last evaluated: 2023-06-22. Review status: criteria provided, single submitter. Criteria: ACMG Guidelines, 2015. Collection method: clinical testing. Allele origin: germline. Inheritance: Autosomal recessive inheritance. Affected: yes.
Comment: The missense c.442G>C (p.Glu148Gln) variant in MEFV gene has been reported previously in homozygous/ compound heterozygous/ heterozygous states in multiple individuals affected with familial mediterranean fever (Gershoni-Baruch et al. 2002; Tirosh et al. 2021; Kilinc et al., 2016). Experimental evidence shows conflicting evidence of pathogenicity for this variant. One study showed a decreased effect in suppressing IL-8 secretion for this variant compared to wild-type in vitro and in blood mononuclear cells from affected individuals compared to healthy controls (Sugiyama et al., 2014); whereas, another study using a colchicine functional assay showed that the functional response for this variant in affected individuals was similar to healthy controls (Van Gorp et al., 2020). The p.Glu148Gln variant is present with an allele frequency of 7.1% in gnomAD Exomes. This variant has been submitted to the ClinVar Database as Benign / Likely Benign / Pathogenic / Uncertain Significance (multiple submissions). Multiple lines of computational evidences (Polyphen - Probably damaging, SIFT - Damaging and MutationTaster - Polymorphism) predict conflicting evidence on protein structure and function for this variant. The reference amino acid at this position on MEFV gene is predicted as conserved by GERP++ and PhyloP across 100 vertebrates. The amino acid Glu at position 148 is changed to a Gln changing protein sequence and it might alter its composition and physico-chemical properties. This variant is one of the most common variants in MEFV gene and is present in significantly high number of healthy control population, with single heterozygous variant not reported to be associated significantly with familiar mediterranean fever in children (Van Gorp et al., 2020). For these reasons, this variant has been classified as a Variant of Uncertain Significance (VUS). In absence of another reportable variant in MEFV gene, the molecular diagnosis is not confirmed.

Clinical Genomics Laboratory, Stanford Medicine
Classification: Uncertain significance for Familial Mediterranean fever. Last evaluated: 2022-10-31. Review status: criteria provided, single submitter. Criteria: ACMG Guidelines, 2015. Collection method: clinical testing. Allele origin: germline. Observed: 1 variant allele, 1 heterozygote.

Center for Genomics, Ann and Robert H. Lurie Children's Hospital of Chicago
Classification: Benign for Acute febrile neutrophilic dermatosis; Familial Mediterranean fever; Familial Mediterranean fever, autosomal dominant. Last evaluated: 2022-10-13. Review status: criteria provided, single submitter. Criteria: ACMG Guidelines, 2015. Collection method: clinical testing. Allele origin: germline.
Comment: MEFV NM_000243.2 exon 2 p.Glu148Gln (c.442G>C): This variant has been well reported in the literature and identified in several individuals with Familial Mediteranean Fever (FMF) as homozygous, compound heterozygous or compound heterozygous as part of a complex allele containing this variant and p.Val726Ala, with the latter two found in trans with a different pathogenic variant (Bernot 1998 PMID:9668175, Kogan 2001 PMID:11484206, Gershoni-Baruch 2002 PMID:11938447). However, several publications claim that this variant is a benign polymorphism, suggesting equal incidence of this variant in affected individuals and control populations (Ben-Chetrit 2000 PMID:10737995, Tchernitchko 2003 PMID:12955725, Zaks 2003 PMID:12929299, Marek-Yagel 2009 PMID:19820229). A GeneReviews entry for FMF also notes the discrepant interpretation of this variant (Shohat 2016 PMID:20301405). This variant is present in 3% (5347/18284) of East Asian alleles, including 779 homozygotes, in the Genome Aggregation Database. This frequency is present at similar percentages among alleles of other ethnicities as well. This variant is present in ClinVar (Variation ID:2542). Evolutionary conservation and computational predictive tools for this variant are unclear. In summary, data on this variant is insufficient for disease classification. Therefore, the clinical significance of this variant is uncertain.

Department of Human Genetics, Hannover Medical School
Classification: Uncertain significance for Familial Mediterranean fever, autosomal dominant. Last evaluated: 2022-06-09. Review status: criteria provided, single submitter. Criteria: ACMG Guidelines, 2015. Collection method: clinical testing. Allele origin: germline. Inheritance: Autosomal dominant inheritance.

Genome Diagnostics Laboratory, The Hospital for Sick Children
Classification: Uncertain significance for Autoinflammatory syndrome. Last evaluated: 2022-05-03. Review status: criteria provided, single submitter. Criteria: ACMG Guidelines, 2015. Collection method: clinical testing. Allele origin: germline. Affected: yes.

MGZ Medical Genetics Center
Classification: Uncertain significance for Familial Mediterranean fever. Last evaluated: 2022-04-11. Review status: criteria provided, single submitter. Criteria: ACMG Guidelines, 2015. Collection method: clinical testing. Allele origin: germline. Affected: yes. Observed: 6 variant alleles.
Comment: ACMG criteria applied: PM3, PM5

Laboratorio de Genetica e Diagnostico Molecular, Hospital Israelita Albert Einstein
Classification: Uncertain significance. Last evaluated: 2022-03-30. Review status: criteria provided, single submitter. Criteria: ACMG Guidelines, 2015. Collection method: clinical testing. Allele origin: germline. Affected: yes.
Comment: ACMG classification criteria: PM3, BS2

Institute of Human Genetics, University of Leipzig Medical Center
Classification: Uncertain significance for Familial Mediterranean fever. Last evaluated: 2022-01-24. Review status: criteria provided, single submitter. Criteria: ACMG Guidelines, 2015. Collection method: clinical testing. Allele origin: unknown. Affected: yes.

Dubai Health Genomic Medicine Center, Dubai Health
Classification: Uncertain significance for Familial Mediterranean fever, autosomal dominant. Last evaluated: 2020-10-04. Review status: criteria provided, single submitter. Criteria: ACMG Guidelines, 2015. Collection method: clinical testing. Allele origin: germline. Affected: yes.